The following is an entry in ClinVar:

ClinVar aggregate classification (germline): Conflicting classifications of pathogenicity. Review status: criteria provided, conflicting classifications (1 of 4 stars). 5 submissions from 5 submitters: Uncertain significance (4); Likely benign (1). Last evaluated 2026-01-13.

Conditions:
ADAMTS13-related disorder. Also called: ADAMTS13-related condition.
Upshaw-Schulman syndrome (TTP). Also called: THROMBOTIC THROMBOCYTOPENIC PURPURA, HEREDITARY; Congenital thrombotic thrombocytopenic purpura. Identifiers: Orphanet 93583, MedGen C1268935, MONDO:0010122, OMIM 274150.

Allele frequency attached by ClinVar (database versions not stated): gnomAD exomes 0.00013; ExAC 0.00015; 1000 Genomes Project 30x 0.00031; gnomAD 0.00036; TOPMed 0.00036; 1000 Genomes Project 0.00040; ESP Exome Variant Server 0.00062.
gnomAD v4.1: 131 of 1,614,044 alleles (0.0081%); highest among the groups gnomAD compares: African/African-American, 0.11%; no homozygotes.

Submissions (5):

Labcorp Genetics (formerly Invitae), Labcorp
Classification: Likely benign. Last evaluated: 2026-01-13. Review status: criteria provided, single submitter. Criteria: Invitae Variant Classification Sherloc (09022015). Collection method: clinical testing. Allele origin: germline.

Women's Health and Genetics/Laboratory Corporation of America, LabCorp
Classification: Uncertain significance. Last evaluated: 2025-04-02. Review status: criteria provided, single submitter. Criteria: LabCorp Variant Classification Summary - May 2015. Collection method: clinical testing. Allele origin: germline.
Comment: Variant summary: ADAMTS13 c.1810G>A (p.Val604Ile) results in a conservative amino acid change in the encoded protein sequence. Four of five in-silico tools predict a benign effect of the variant on protein function. The variant allele was found at a frequency of 0.00013 in 251256 control chromosomes. This frequency is not significantly higher than estimated for a pathogenic variant in ADAMTS13 causing Thrombotic Thrombocytopenic Purpura, allowing no conclusion about variant significance. To our knowledge, no occurrence of c.1810G>A in individuals affected with Thrombotic Thrombocytopenic Purpura and no experimental evidence demonstrating its impact on protein function have been reported. ClinVar contains an entry for this variant (Variation ID: 1031632). Based on the evidence outlined above, the variant was classified as uncertain significance.

PreventionGenetics, part of Exact Sciences
Classification: Uncertain significance for ADAMTS13-related condition. Last evaluated: 2023-08-01. Review status: criteria provided, single submitter. Criteria: ACMG Guidelines, 2015. Collection method: clinical testing. Allele origin: germline.
Comment: The ADAMTS13 c.1810G>A variant is predicted to result in the amino acid substitution p.Val604Ile. To our knowledge, this variant has not been reported in the literature. This variant is reported in 0.12% of alleles in individuals of African descent in gnomAD. Although we suspect that this variant may be benign, at this time, the clinical significance of this variant is uncertain due to the absence of conclusive functional and genetic evidence.

Fulgent Genetics
Classification: Uncertain significance for Upshaw-Schulman syndrome. Last evaluated: 2022-05-31. Review status: criteria provided, single submitter. Criteria: ACMG Guidelines, 2015. Collection method: clinical testing. Allele origin: unknown.

Baylor Genetics
Classification: Uncertain significance for Upshaw-Schulman syndrome. Last evaluated: 2018-07-31. Review status: criteria provided, single submitter. Criteria: ACMG Guidelines, 2015. Collection method: clinical testing. Allele origin: maternal. Affected: yes.
Comment: This variant was determined to be of uncertain significance according to ACMG Guidelines, 2015 [PMID:25741868].

NM_139027.6(ADAMTS13):c.1810G>A (p.Val604Ile)

Gene: ADAMTS13 (ADAM metallopeptidase with thrombospondin type 1 motif 13; plus strand). Cytogenetic location: 9q34.2.
Variant type: single nucleotide variant.
Coding change: c.1810G>A on transcript NM_139027.6 (MANE Select); coding-DNA position 1810, G replaced by A.
Protein change: p.Val604Ile; replaces valine 604 with isoleucine.
Molecular consequence: missense variant. On other transcripts: non-coding transcript variant (1).
Genome position (GRCh38, 1-based): chr9:133,440,367, G>A. VCF-style: chr9-133440367-G-A. GRCh37 (hg19) VCF-style: chr9-136305488-G-A.
Other names: c.1810G>A, p.Val604Ile (NM_139025.5); c.1717G>A, p.Val573Ile (NM_139026.6); short protein forms V573I, V604I.
Identifiers: ClinVar variation 1031632 (VCV001031632.10), dbSNP rs34256013, ClinGen allele CA200932344.